The following is an entry in ClinVar:

NM_145331.3(MAP3K7):c.1696C>T (p.Arg566Cys)

Gene: MAP3K7 (mitogen-activated protein kinase kinase kinase 7; minus strand). Cytogenetic location: 6q15.
Variant type: single nucleotide variant.
Coding change: c.1696C>T on transcript NM_145331.3 (MANE Select); coding-DNA position 1696, C replaced by T.
Protein change: p.Arg566Cys; replaces arginine 566 with cysteine.
Molecular consequence: missense variant. On other transcripts: 3 prime UTR variant (2).
Genome position (GRCh38, 1-based): chr6:90,516,626, G>A on the plus strand (C>T on the coding strand, the complement: MAP3K7 is on the minus strand). VCF-style: chr6-90516626-G-A. GRCh37 (hg19) VCF-style: chr6-91226345-G-A.
Other names: c.1615C>T, p.Arg539Cys (NM_003188.4); c.*23C>T (NM_145332.3, NM_145333.3); short protein forms R539C, R566C.
Identifiers: ClinVar variation 4891505 (VCV004891505.1).

ClinVar aggregate classification (germline): Uncertain significance (1 of 4 stars; one submission).

Submission:

GeneDx
Classification: Uncertain significance. Last evaluated: 2026-03-14. Review status: criteria provided, single submitter. Criteria: GeneDx Variant Classification Process June 2021. Collection method: clinical testing. Allele origin: germline.
Comment: Reported as a de novo mosaic variant in an individual with autism in published literature; however, variants in other genes were also identified in this individual and no further clinical information was provided (PMID: 28867142); Not observed at significant frequency in large population cohorts (gnomAD); In silico analysis supports that this missense variant has a deleterious effect on protein structure/function; This variant is associated with the following publications: (PMID: 28867142)